The following is an entry in ClinVar:

NM_001374259.2(IL12RB2):c.1424G>A (p.Arg475Gln)

Gene: IL12RB2 (interleukin 12 receptor subunit beta 2; plus strand). Cytogenetic location: 1p31.3.
Variant type: single nucleotide variant.
Coding change: c.1424G>A on transcript NM_001374259.2 (MANE Select); coding-DNA position 1424, G replaced by A.
Protein change: p.Arg475Gln; replaces arginine 475 with glutamine.
Molecular consequence: missense variant. On other transcripts: non-coding transcript variant (2).
Genome position (GRCh38, 1-based): chr1:67,367,990, G>A. VCF-style: chr1-67367990-G-A. GRCh37 (hg19) VCF-style: chr1-67833673-G-A.
Other names: c.1424G>A, p.Arg475Gln (NM_001258214.1, NM_001258215.1, NM_001258216.1 and 2 more transcripts); short protein forms R475Q.
Identifiers: ClinVar variation 1927344 (VCV001927344.5), dbSNP rs747423800, ClinGen allele CA900486.

ClinVar aggregate classification (germline): Uncertain significance (1 of 4 stars; one submission).

Allele frequency attached by ClinVar (database versions not stated): ExAC 0.00001; gnomAD exomes 0.00001; TOPMed 0.00002; gnomAD 0.00003.
gnomAD v4.1: 21 of 1,609,854 alleles (0.0013%); highest among the groups gnomAD compares: African/African-American, 0.004%; no homozygotes.

Submission:

Labcorp Genetics (formerly Invitae), Labcorp
Classification: Uncertain significance. Last evaluated: 2022-03-04. Review status: criteria provided, single submitter. Criteria: Invitae Variant Classification Sherloc (09022015). Collection method: clinical testing. Allele origin: germline.
Comment: Algorithms developed to predict the effect of missense changes on protein structure and function are either unavailable or do not agree on the potential impact of this missense change (SIFT: "Tolerated"; PolyPhen-2: "Probably Damaging"; Align-GVGD: "Class C0"). This variant has not been reported in the literature in individuals affected with IL12RB2-related conditions. This variant is present in population databases (rs747423800, gnomAD 0.002%). This sequence change replaces arginine, which is basic and polar, with glutamine, which is neutral and polar, at codon 475 of the IL12RB2 protein (p.Arg475Gln). In summary, the available evidence is currently insufficient to determine the role of this variant in disease. Therefore, it has been classified as a Variant of Uncertain Significance.